The following is an entry in ClinVar:

ClinVar aggregate classification (germline): Uncertain significance (1 of 4 stars; one submission).

gnomAD v4.1: 41 of 1,611,710 alleles (0.0025%); highest among the groups gnomAD compares: South Asian, 0.019%; no homozygotes.

Submission:

Labcorp Genetics (formerly Invitae), Labcorp
Classification: Uncertain significance. Last evaluated: 2024-11-19. Review status: criteria provided, single submitter. Criteria: Invitae Variant Classification Sherloc (09022015). Collection method: clinical testing. Allele origin: germline.
Comment: This sequence change replaces proline, which is neutral and non-polar, with histidine, which is basic and polar, at codon 2236 of the FN1 protein (p.Pro2236His). This variant is present in population databases (rs144536753, gnomAD 0.01%). This variant has not been reported in the literature in individuals affected with FN1-related conditions. ClinVar contains an entry for this variant (Variation ID: 2897086). An algorithm developed to predict the effect of missense changes on protein structure and function (PolyPhen-2) suggests that this variant is likely to be disruptive. In summary, the available evidence is currently insufficient to determine the role of this variant in disease. Therefore, it has been classified as a Variant of Uncertain Significance.

NM_212482.4(FN1):c.6707C>A (p.Pro2236His)

Gene: FN1 (fibronectin 1; minus strand). Cytogenetic location: 2q35.
Variant type: single nucleotide variant.
Coding change: c.6707C>A on transcript NM_212482.4 (MANE Select); coding-DNA position 6707, C replaced by A.
Protein change: p.Pro2236His; replaces proline 2236 with histidine.
Molecular consequence: missense variant.
Genome position (GRCh38, 1-based): chr2:215,371,916, G>T on the plus strand (C>A on the coding strand, the complement: FN1 is on the minus strand). VCF-style: chr2-215371916-G-T. GRCh37 (hg19) VCF-style: chr2-216236639-G-T.
Other names: c.6164C>A, p.Pro2055His (NM_212476.3); c.6266C>A, p.Pro2089His (NM_212478.3); c.6614C>A, p.Pro2205His (NM_001306129.2); c.6077C>A, p.Pro2026His (NM_001306130.2); c.6071C>A, p.Pro2024His (NM_001306131.2); c.5996C>A, p.Pro1999His (NM_001306132.2); c.6437C>A, p.Pro2146His (NM_001365517.2); c.6434C>A, p.Pro2145His (NM_001365518.2); and 8 more; short protein forms P2024H, P2026H, P2115H, P2121H, P2145H, P2146H, P2090H, P2114H.
Identifiers: ClinVar variation 2897086 (VCV002897086.3), dbSNP rs144536753, ClinGen allele CA2093795.
Genomic context (GRCh38, chr2:215,371,916, plus strand): 5'-AACTTATTCCTTTCTGTGCTGCCCCATGAGAAGTGAAGAGAACAATTAATTACCTGTAAG[G>T]GTTCTTCATCAGTGCCAACAGGATGACATGAAATGATGTACTCAGAAGTGTCCTGGAATG-3'
Protein context (NP_997647.2, residues 2226-2246): SCHPVGTDEE[Pro2236His]LQFRVPGTST